The following is an entry in ClinVar:

ClinVar aggregate classification (germline): Uncertain significance (1 of 4 stars; one submission).

Conditions:
Van Maldergem syndrome 1 (VMLDS1). Also called: Van Maldergem syndrome 1 (VMLDS1). Identifiers: Orphanet 314679, MedGen C4551950, MONDO:0011070, OMIM 601390.

Submission:

Dasa
Classification: Uncertain significance for Van Maldergem syndrome 1. Last evaluated: 2025-10-09. Review status: criteria provided, single submitter. Criteria: DASA Assertion Criteria. Collection method: clinical testing. Allele origin: germline.
Comment: NM_003737.4(DCHS1):c.4031G>C (p.Gly1344Ala) is a missense variant that results in the substitution of glycine with alanine. This variant is absent from population databases. Computational prediction algorithms are consistent with a benign effect. The currently available literature and clinical evidence are not sufficient to establish a definitive association between this variant and the reported condition. Therefore, this variant is classified as a variant of uncertain significance.

NM_003737.4(DCHS1):c.4031G>C (p.Gly1344Ala)

Gene: DCHS1 (dachsous cadherin-related 1; minus strand). Cytogenetic location: 11p15.4.
Variant type: single nucleotide variant.
Coding change: c.4031G>C on transcript NM_003737.4 (MANE Select); coding-DNA position 4031, G replaced by C.
Protein change: p.Gly1344Ala; replaces glycine 1344 with alanine.
Molecular consequence: missense variant.
Genome position (GRCh38, 1-based): chr11:6,630,763, C>G on the plus strand (G>C on the coding strand, the complement: DCHS1 is on the minus strand). VCF-style: chr11-6630763-C-G. GRCh37 (hg19) VCF-style: chr11-6651994-C-G.
Other names: short protein forms G1344A.
Identifiers: ClinVar variation 4882706 (VCV004882706.2).